The following is an entry in ClinVar:

ClinVar aggregate classification (germline): Uncertain significance (1 of 4 stars; one submission).

Conditions:
Brugada syndrome 8 (BRGDA8). Identifiers: Orphanet 130, MedGen C2751083, MONDO:0013148, OMIM 613123.

gnomAD v4.1: 4 of 1,564,800 alleles (0.00026%); highest among the groups gnomAD compares: South Asian, 0.0012%; no homozygotes.

Submission:

Labcorp Genetics (formerly Invitae), Labcorp
Classification: Uncertain significance for Brugada syndrome 8. Last evaluated: 2025-04-22. Review status: criteria provided, single submitter. Criteria: Invitae Variant Classification Sherloc (09022015). Collection method: clinical testing. Allele origin: germline.
Comment: This sequence change replaces glycine, which is neutral and non-polar, with serine, which is neutral and polar, at codon 1125 of the HCN4 protein (p.Gly1125Ser). The frequency data for this variant in the population databases is considered unreliable, as metrics indicate poor data quality at this position in the gnomAD database. This variant has not been reported in the literature in individuals affected with HCN4-related conditions. Invitae Evidence Modeling of protein sequence and biophysical properties (such as structural, functional, and spatial information, amino acid conservation, physicochemical variation, residue mobility, and thermodynamic stability) indicates that this missense variant is not expected to disrupt HCN4 protein function with a negative predictive value of 95%. In summary, the available evidence is currently insufficient to determine the role of this variant in disease. Therefore, it has been classified as a Variant of Uncertain Significance.

NM_005477.3(HCN4):c.3373G>A (p.Gly1125Ser)

Gene: HCN4 (hyperpolarization activated cyclic nucleotide gated potassium channel 4; minus strand). Cytogenetic location: 15q24.1.
Variant type: single nucleotide variant.
Coding change: c.3373G>A on transcript NM_005477.3 (MANE Select); coding-DNA position 3373, G replaced by A.
Protein change: p.Gly1125Ser; replaces glycine 1125 with serine.
Molecular consequence: missense variant.
Genome position (GRCh38, 1-based): chr15:73,322,720, C>T on the plus strand (G>A on the coding strand, the complement: HCN4 is on the minus strand). VCF-style: chr15-73322720-C-T. GRCh37 (hg19) VCF-style: chr15-73615061-C-T.
Other names: short protein forms G1125S.
Identifiers: ClinVar variation 4776266 (VCV004776266.1).